The following is an entry in ClinVar:

NM_000426.4(LAMA2):c.396+6G>T

Gene: LAMA2 (laminin subunit alpha 2; plus strand). Cytogenetic location: 6q22.33.
Variant type: single nucleotide variant.
Coding change: c.396+6G>T on transcript NM_000426.4 (MANE Select); 6 bases into the intron after coding-DNA position 396, G replaced by T.
Molecular consequence: intron variant.
Genome position (GRCh38, 1-based): chr6:129,059,902, G>T. VCF-style: chr6-129059902-G-T. GRCh37 (hg19) VCF-style: chr6-129381047-G-T.
Other names: c.396+6G>T (NM_001079823.2).
Identifiers: ClinVar variation 1041912 (VCV001041912.4), dbSNP rs1341024110, ClinGen allele CA1662980937.

ClinVar aggregate classification (germline): Uncertain significance (1 of 4 stars; one submission).

Conditions:
LAMA2-related muscular dystrophy (LAMA2-RD). Also called: Laminin alpha 2-related dystrophy. Identifiers: MedGen C5679788, MONDO:0100228.

gnomAD v4.1: 1 of 1,457,262 alleles (0.000069%); highest among the groups gnomAD compares: South Asian, 0.0011%; no homozygotes.

Submission:

Labcorp Genetics (formerly Invitae), Labcorp
Classification: Uncertain significance for LAMA2-related muscular dystrophy. Last evaluated: 2020-08-23. Review status: criteria provided, single submitter. Criteria: Invitae Variant Classification Sherloc (09022015). Collection method: clinical testing. Allele origin: germline.
Comment: This sequence change falls in intron 3 of the LAMA2 gene. It does not directly change the encoded amino acid sequence of the LAMA2 protein, but it affects a nucleotide within the consensus splice site of the intron. This variant is not present in population databases (ExAC no frequency). This variant has not been reported in the literature in individuals with LAMA2-related conditions. Nucleotide substitutions within the consensus splice site are a relatively common cause of aberrant splicing (PMID: 17576681, 9536098). Algorithms developed to predict the effect of sequence changes on RNA splicing suggest that this variant is not likely to affect RNA splicing, but this prediction has not been confirmed by published transcriptional studies. In summary, the available evidence is currently insufficient to determine the role of this variant in disease. Therefore, it has been classified as a Variant of Uncertain Significance.

Literature cited by the submitters: PubMed 17576681; PubMed 9536098.